The following is an entry in ClinVar:

NM_000037.4(ANK1):c.2318_2319del (p.Ile773fs)

Genes: ANK1 (ankyrin 1; minus strand), LOC130000286 (ATAC-STARR-seq lymphoblastoid active region 27293; plus strand). Cytogenetic location: 8p11.21.
Variant type: Deletion.
Coding change: c.2318_2319del on transcript NM_000037.4 (MANE Select); coding-DNA positions 2318 to 2319, 2 bases deleted (TA; older notation c.2318_2319delTA).
Protein change: p.Ile773fs; shifts the reading frame from isoleucine 773.
Molecular consequence: frameshift variant.
Genome position (GRCh38, 1-based): chr8:41,702,121-41,702,122, TA deleted on the plus strand (TA on the coding strand, the reverse complement: ANK1 is on the minus strand); deleting any 2 consecutive bases within chr8:41,702,121-41,702,123 gives the same sequence; the c. name uses the placement nearest the transcript's 3' end. VCF-style (leftmost placement, unchanged base first): chr8-41702120-CTA-C. GRCh37 (hg19) VCF-style: chr8-41559638-CTA-C.
Other names: c.2417_2418del, p.Ile806fs (NM_001142446.2); c.2318_2319del, p.Ile773fs (NM_020475.3, NM_020476.3, NM_020477.3); short protein forms I806fs, I773fs.
Identifiers: ClinVar variation 3717747 (VCV003717747.2).

ClinVar aggregate classification (germline): Pathogenic (1 of 4 stars; one submission).

Submission:

Labcorp Genetics (formerly Invitae), Labcorp
Classification: Pathogenic. Last evaluated: 2024-09-17. Review status: criteria provided, single submitter. Criteria: Invitae Variant Classification Sherloc (09022015). Collection method: clinical testing. Allele origin: germline.
Comment: This sequence change creates a premature translational stop signal (p.Ile773Serfs*19) in the ANK1 gene. It is expected to result in an absent or disrupted protein product. Loss-of-function variants in ANK1 are known to be pathogenic (PMID: 8640229). This variant is not present in population databases (gnomAD no frequency). This variant has not been reported in the literature in individuals affected with ANK1-related conditions. For these reasons, this variant has been classified as Pathogenic.

Literature cited by the submitters: PubMed 8640229.